The following is an entry in ClinVar:

ClinVar aggregate classification (germline): Uncertain significance. Review status: criteria provided, multiple submitters, no conflicts (2 of 4 stars). 2 submissions from 2 submitters: Uncertain significance (2). Last evaluated 2023-06-05.

Conditions:
Hereditary cancer-predisposing syndrome. Also called: Neoplastic Syndromes, Hereditary; Tumor predisposition; Hereditary Cancer Syndrome; Hereditary neoplastic syndrome. Identifiers: Orphanet 140162, MedGen C0027672, MeSH D009386, MONDO:0015356.

Allele frequency attached by ClinVar (database versions not stated): TOPMed 0.00001.

Submissions (2):

Ambry Genetics
Classification: Uncertain significance for Hereditary cancer-predisposing syndrome. Last evaluated: 2023-06-05. Review status: criteria provided, single submitter. Criteria: Ambry Variant Classification Scheme 2023. Collection method: clinical testing. Allele origin: germline.
Comment: The c.2718+3A>T intronic variant results from an A to T substitution 3 nucleotides after coding exon 16 in the RAD50 gene. This nucleotide position is not well conserved in available vertebrate species. In silico splice site analysis predicts that this alteration will not have any significant effect on splicing. Since supporting evidence is limited at this time, the clinical significance of this alteration remains unclear.

Labcorp Genetics (formerly Invitae), Labcorp
Classification: Uncertain significance for Hereditary cancer-predisposing syndrome. Last evaluated: 2023-05-25. Review status: criteria provided, single submitter. Criteria: Invitae Variant Classification Sherloc (09022015). Collection method: clinical testing. Allele origin: germline.
Comment: In summary, the available evidence is currently insufficient to determine the role of this variant in disease. Therefore, it has been classified as a Variant of Uncertain Significance. Variants that disrupt the consensus splice site are a relatively common cause of aberrant splicing (PMID: 17576681, 9536098). Algorithms developed to predict the effect of sequence changes on RNA splicing suggest that this variant is not likely to affect RNA splicing. ClinVar contains an entry for this variant (Variation ID: 482112). This variant has not been reported in the literature in individuals affected with RAD50-related conditions. This variant is not present in population databases (gnomAD no frequency). This sequence change falls in intron 16 of the RAD50 gene. It does not directly change the encoded amino acid sequence of the RAD50 protein. It affects a nucleotide within the consensus splice site.

Literature cited by the submitters: PubMed 17576681 (cited by Labcorp Genetics (formerly Invitae), Labcorp); PubMed 9536098 (cited by Labcorp Genetics (formerly Invitae), Labcorp).

NM_005732.4(RAD50):c.2718+3A>T

Gene: RAD50 (RAD50 double strand break repair protein; plus strand). Cytogenetic location: 5q31.1.
Variant type: single nucleotide variant.
Coding change: c.2718+3A>T on transcript NM_005732.4 (MANE Select); 3 bases into the intron after coding-DNA position 2718, A replaced by T.
Molecular consequence: intron variant.
Genome position (GRCh38, 1-based): chr5:132,605,002, A>T. VCF-style: chr5-132605002-A-T. GRCh37 (hg19) VCF-style: chr5-131940694-A-T.
Identifiers: ClinVar variation 482112 (VCV000482112.13), dbSNP rs1554099203, ClinGen allele CA658657524.